The following is an entry in ClinVar:

ClinVar aggregate classification (germline): Benign/Likely benign. Review status: criteria provided, multiple submitters, no conflicts (2 of 4 stars). 3 submissions from 2 submitters: Benign (1); Likely benign (2). Last evaluated 2018-01-13.

Conditions:
Retinitis pigmentosa (RP). Identifiers: Orphanet 791, MedGen C0035334, MeSH D012174, MONDO:0019200, OMIM 268000. Inheritance: Autosomal dominant, autosomal recessive and X linked inheritance.
Leber congenital amaurosis 4 (LCA4). Identifiers: MedGen C1858386, MONDO:0011458, OMIM 604393.

Allele frequency attached by ClinVar (database versions not stated): 1000 Genomes Project 30x 0.05169; gnomAD 0.05230 and 0.05319; 1000 Genomes Project 0.05252; TOPMed 0.05616; gnomAD exomes 0.12500.
gnomAD v4.1: 8,093 of 152,342 alleles (5.3%); highest among the groups gnomAD compares: Admixed American, 12%; 285 homozygotes.

Submissions (3):

Illumina Laboratory Services, Illumina
Classification: Likely benign for Leber congenital amaurosis 4. Last evaluated: 2018-01-13. Review status: criteria provided, single submitter. Criteria: ICSL Variant Classification Criteria 13 December 2019. Collection method: clinical testing. Allele origin: germline.
Comment: This variant was observed in the ICSL laboratory as part of a predisposition screen in an ostensibly healthy population. It had not been previously curated by ICSL or reported in the Human Gene Mutation Database (HGMD: prior to June 1st, 2018), and was therefore a candidate for classification through an automated scoring system. Utilizing variant allele frequency, disease prevalence and penetrance estimates, and inheritance mode, an automated score was calculated to assess if this variant is too frequent to cause the disease. Based on the score and internal cut-off values, a variant classified as likely benign is not then subjected to further curation. The score for this variant resulted in a classification of likely benign for this disease.

Illumina Laboratory Services, Illumina
Classification: Benign for Retinitis pigmentosa. Last evaluated: 2018-01-13. Review status: criteria provided, single submitter. Criteria: ICSL Variant Classification Criteria 13 December 2019. Collection method: clinical testing. Allele origin: germline.
Comment: This variant was observed in the ICSL laboratory as part of a predisposition screen in an ostensibly healthy population. It had not been previously curated by ICSL or reported in the Human Gene Mutation Database (HGMD: prior to June 1st, 2018), and was therefore a candidate for classification through an automated scoring system. Utilizing variant allele frequency, disease prevalence and penetrance estimates, and inheritance mode, an automated score was calculated to assess if this variant is too frequent to cause the disease. Based on the score and internal cut-off values, a variant classified as benign is not then subjected to further curation. The score for this variant resulted in a classification of benign for this disease.

Breakthrough Genomics
Classification: Likely benign. Review status: criteria provided, single submitter. Criteria: ACMG Guidelines, 2015. Collection method: not provided. Allele origin: germline. Inheritance: Autosomal recessive inheritance. Affected: yes.

NM_014336.5(AIPL1):c.*1658T>C

Gene: AIPL1 (AIP like 1 HSP90 co-chaperone; minus strand). Cytogenetic location: 17p13.2.
Variant type: single nucleotide variant.
Coding change: c.*1658T>C on transcript NM_014336.5 (MANE Select); 1658 bases downstream of the stop codon, T replaced by C.
Molecular consequence: 3 prime UTR variant.
Genome position (GRCh38, 1-based): chr17:6,423,802, A>G on the plus strand (T>C on the coding strand, the complement: AIPL1 is on the minus strand). VCF-style: chr17-6423802-A-G. GRCh37 (hg19) VCF-style: chr17-6327122-A-G.
Other names: c.*1658T>C (NM_001033054.3, NM_001033055.3, NM_001285399.3 and 3 more transcripts).
Identifiers: ClinVar variation 324568 (VCV000324568.7), dbSNP rs78526307, ClinGen allele CA10649821.